The following is an entry in ClinVar:

NM_152393.4(KLHL40):c.1503_1504delinsCG (p.Leu502Val)

Gene: KLHL40 (kelch like family member 40; plus strand). Cytogenetic location: 3p22.1.
Variant type: Indel.
Coding change: c.1503_1504delinsCG on transcript NM_152393.4 (MANE Select); coding-DNA positions 1503 to 1504, AC replaced by CG.
Protein change: p.Leu502Val; replaces leucine 502 with valine.
Molecular consequence: missense variant.
Genome position (GRCh38, 1-based): chr3:42,688,950-42,688,951, AC replaced by CG. VCF-style: chr3-42688950-AC-CG. GRCh37 (hg19) VCF-style: chr3-42730442-AC-CG.
Other names: short protein forms L502V.
Identifiers: ClinVar variation 1429084 (VCV001429084.5), dbSNP rs2125845587, ClinGen allele CA2573136983.

ClinVar aggregate classification (germline): Uncertain significance (1 of 4 stars; one submission).

Conditions:
Nemaline myopathy 8 (NEM8). Also called: Nemaline myopathy 8, autosomal recessive. Identifiers: Orphanet 171430, MedGen C3809209, MONDO:0014138, OMIM 615348.

Submission:

Labcorp Genetics (formerly Invitae), Labcorp
Classification: Uncertain significance for Nemaline myopathy 8. Last evaluated: 2024-10-16. Review status: criteria provided, single submitter. Criteria: Invitae Variant Classification Sherloc (09022015). Collection method: clinical testing. Allele origin: germline.
Comment: This sequence change replaces leucine, which is neutral and non-polar, with valine, which is neutral and non-polar, at codon 502 of the KLHL40 protein (p.Leu502Val). Information on the frequency of this variant in the gnomAD database is not available, as this variant may be reported differently in the database. This variant has not been reported in the literature in individuals affected with KLHL40-related conditions. ClinVar contains an entry for this variant (Variation ID: 1429084). Experimental studies and prediction algorithms are not available or were not evaluated, and the functional significance of this variant is currently unknown. In summary, the available evidence is currently insufficient to determine the role of this variant in disease. Therefore, it has been classified as a Variant of Uncertain Significance.